The following is an entry in ClinVar:

NM_001291867.2(NHS):c.554A>G (p.Gln185Arg)

Gene: NHS (NHS actin remodeling regulator; plus strand). Cytogenetic location: Xp22.2.
Variant type: single nucleotide variant.
Coding change: c.554A>G on transcript NM_001291867.2 (MANE Select); coding-DNA position 554, A replaced by G.
Protein change: p.Gln185Arg; replaces glutamine 185 with arginine.
Molecular consequence: missense variant.
Genome position (GRCh38, 1-based): chrX:17,376,311, A>G. VCF-style: chrX-17376311-A-G. GRCh37 (hg19) VCF-style: chrX-17394434-A-G.
Other names: c.554A>G, p.Gln185Arg (NM_198270.4); short protein forms Q185R.
Identifiers: ClinVar variation 2910305 (VCV002910305.3), dbSNP rs993387923, ClinGen allele CA327283560.

ClinVar aggregate classification (germline): Uncertain significance (1 of 4 stars; one submission).

Conditions:
Nance-Horan syndrome (NHS). Identifiers: Orphanet 627, MedGen C0796085, MONDO:0010545, OMIM 302350.

Submission:

Labcorp Genetics (formerly Invitae), Labcorp
Classification: Uncertain significance for Nance-Horan syndrome. Last evaluated: 2024-02-17. Review status: criteria provided, single submitter. Criteria: Invitae Variant Classification Sherloc (09022015). Collection method: clinical testing. Allele origin: germline.
Comment: This sequence change replaces glutamine, which is neutral and polar, with arginine, which is basic and polar, at codon 185 of the NHS protein (p.Gln185Arg). This variant is not present in population databases (gnomAD no frequency). This variant has not been reported in the literature in individuals affected with NHS-related conditions. An algorithm developed to predict the effect of missense changes on protein structure and function (PolyPhen-2) suggests that this variant is likely to be tolerated. In summary, the available evidence is currently insufficient to determine the role of this variant in disease. Therefore, it has been classified as a Variant of Uncertain Significance.